The following is an entry in ClinVar:

NM_001378457.1(DMXL2):c.3759_3760del (p.Trp1254fs)

Gene: DMXL2 (Dmx like 2; minus strand). Cytogenetic location: 15q21.2.
Variant type: Deletion.
Coding change: c.3759_3760del on transcript NM_001378457.1 (MANE Select); coding-DNA positions 3759 to 3760, 2 bases deleted (TT; older notation c.3759_3760delTT).
Protein change: p.Trp1254fs; shifts the reading frame from tryptophan 1254.
Molecular consequence: frameshift variant. On other transcripts: non-coding transcript variant (2), intron variant (2).
Genome position (GRCh38, 1-based): chr15:51,499,464-51,499,465, AA deleted on the plus strand (TT on the coding strand, the reverse complement: DMXL2 is on the minus strand). VCF-style (leftmost placement, unchanged base first): chr15-51499463-CAA-C. GRCh37 (hg19) VCF-style: chr15-51791660-CAA-C.
Other names: c.3759_3760del, p.Trp1254fs (NM_001174116.3, NM_001378458.1, NM_001378459.1 and 4 more transcripts); c.3519_3520del, p.Trp1174fs (NM_001378464.1); c.2764+7669_2764+7670del (NM_001378460.1); c.2765-4331_2765-4330del (NM_001174117.3); c.3759_3760del (NM_001174116.2); short protein forms W1174fs, W1254fs.
Identifiers: ClinVar variation 2754203 (VCV002754203.4), dbSNP rs1325372369, ClinGen allele CA618011513.

ClinVar aggregate classification (germline): Pathogenic/Likely pathogenic. Review status: criteria provided, multiple submitters, no conflicts (2 of 4 stars). 2 submissions from 2 submitters: Pathogenic (1); Likely pathogenic (1). Last evaluated 2024-11-07.

Conditions:
DMXL2-related disorder. Also called: DMXL2-related condition.

Allele frequency attached by ClinVar (database versions not stated): gnomAD 0.00001.

Submissions (2):

Greenwood Genetic Center Diagnostic Laboratories, Greenwood Genetic Center
Classification: Likely pathogenic for DMXL2-related disorder. Last evaluated: 2024-11-07. Review status: criteria provided, single submitter. Criteria: ACMG Guidelines, 2015. Collection method: clinical testing. Allele origin: germline. Affected: yes.
Comment: PVS1, PM2

Labcorp Genetics (formerly Invitae), Labcorp
Classification: Pathogenic. Last evaluated: 2023-08-20. Review status: criteria provided, single submitter. Criteria: Invitae Variant Classification Sherloc (09022015). Collection method: clinical testing. Allele origin: germline.
Comment: For these reasons, this variant has been classified as Pathogenic. This variant has not been reported in the literature in individuals affected with DMXL2-related conditions. This variant is present in population databases (no rsID available, gnomAD 0.008%). This sequence change creates a premature translational stop signal (p.Trp1254Glyfs*13) in the DMXL2 gene. It is expected to result in an absent or disrupted protein product. Loss-of-function variants in DMXL2 are known to be pathogenic (PMID: 30237576, 31688942).

Literature cited by the submitters: PubMed 30237576 (cited by Labcorp Genetics (formerly Invitae), Labcorp); PubMed 31688942 (cited by Labcorp Genetics (formerly Invitae), Labcorp).